The following is an entry in ClinVar:

ClinVar aggregate classification (germline): Pathogenic/Likely pathogenic. Review status: criteria provided, multiple submitters, no conflicts (2 of 4 stars). 2 submissions from 2 submitters: Pathogenic (1); Likely pathogenic (1). Last evaluated 2020-12-27.

Conditions:
Hereditary breast ovarian cancer syndrome. Also called: Hereditary breast and ovarian cancer; Hereditary breast and/or ovarian cancer syndrome; BRCA1- and BRCA2-Associated Hereditary Breast and Ovarian Cancer; Hereditary breast and ovarian cancer syndrome; Breast and ovarian cancer; Hereditary breast and ovarian cancer syndrome (HBOC). Identifiers: Orphanet 145, MedGen C0677776, MeSH D061325, MONDO:0003582. Disease mechanism: loss of function.
Hereditary cancer-predisposing syndrome. Also called: Neoplastic Syndromes, Hereditary; Hereditary neoplastic syndrome; Tumor predisposition; Hereditary Cancer Syndrome. Identifiers: Orphanet 140162, MedGen C0027672, MeSH D009386, MONDO:0015356.

Submissions (2):

Women's Health and Genetics/Laboratory Corporation of America, LabCorp
Classification: Likely pathogenic for Hereditary breast and ovarian cancer syndrome. Last evaluated: 2020-12-27. Review status: criteria provided, single submitter. Criteria: LabCorp Variant Classification Summary - May 2015. Collection method: clinical testing. Allele origin: germline.
Comment: Variant summary: BRCA1 c.4008dupT (p.Asp1337X) results in a premature termination codon, predicted to cause a truncation of the encoded protein or absence of the protein due to nonsense mediated decay, which are commonly known mechanisms for disease. Truncations downstream of this position have been classified as pathogenic by our laboratory. The variant was absent in 251172 control chromosomes. To our knowledge, no occurrence of c.4008dupT in individuals affected with Hereditary Breast And Ovarian Cancer Syndrome and no experimental evidence demonstrating its impact on protein function have been reported. No clinical diagnostic laboratories have submitted clinical-significance assessments for this variant to ClinVar after 2014. Based on the evidence outlined above, the variant was classified as likely pathogenic.

Ambry Genetics
Classification: Pathogenic for Hereditary cancer-predisposing syndrome. Last evaluated: 2020-11-06. Review status: criteria provided, single submitter. Criteria: Ambry Variant Classification Scheme 2023. Collection method: clinical testing. Allele origin: germline.
Comment: The c.4008dupT pathogenic mutation, located in coding exon 9 of the BRCA1 gene, results from a duplication of T at nucleotide position 4008, causing a translational frameshift with a predicted alternate stop codon (p.D1337*). This alteration is expected to result in loss of function by premature protein truncation or nonsense-mediated mRNA decay. As such, this alteration is interpreted as a disease-causing mutation.

NM_007294.4(BRCA1):c.4008dup (p.Asp1337Ter)

Genes: BRCA1 (BRCA1 DNA repair associated; minus strand), LOC126862571 (BRD4-independent group 4 enhancer GRCh37_chr17:41243136-41244335; plus strand). Cytogenetic location: 17q21.31.
Variant type: Duplication.
Coding change: c.4008dup on transcript NM_007294.4 (MANE Select); coding-DNA position 4008, one base duplicated (T; older notation c.4008dupT).
Protein change: p.Asp1337Ter; replaces aspartic acid 1337 with a stop codon.
Molecular consequence: nonsense. On other transcripts: frameshift variant (1), intron variant (135).
Genome position (GRCh38, 1-based): chr17:43,091,523, A duplicated on the plus strand (T on the coding strand, the reverse complement: BRCA1 is on the minus strand). VCF-style (leftmost placement, unchanged base first): chr17-43091522-C-CA. GRCh37 (hg19) VCF-style: chr17-41243539-C-CA.
Other names: c.4008dupT (NM_007294.3); c.3795dup, p.Asp1266Ter (NM_001407571.1, NM_001407853.1, NM_001407894.1 and 9 more transcripts); c.4008dup, p.Asp1337Ter (NM_001407581.1, NM_001407582.1, NM_001407583.1 and 30 more transcripts); c.4005dup, p.Asp1336Ter (NM_001407587.1, NM_001407590.1, NM_001407591.1 and 22 more transcripts); c.3999dup, p.Asp1334Ter (NM_001407646.1, NM_001407647.1); c.3885dup, p.Asp1296Ter (NM_001407648.1, NM_001407664.1, NM_001407665.1 and 19 more transcripts); c.3882dup, p.Asp1295Ter (NM_001407649.1, NM_001407670.1, NM_001407671.1 and 11 more transcripts); c.3930dup, p.Asp1311Ter (NM_001407653.1, NM_001407654.1, NM_001407655.1 and 4 more transcripts); and 42 more; short protein forms D1290*, D1337*, D1169*, D1209*, D1210*, D1225*, D1269*, D1270*.
Identifiers: ClinVar variation 992269 (VCV000992269.4), dbSNP rs2053486046, ClinGen allele CA1139665609.